The following is an entry in ClinVar:

NM_000384.3(APOB):c.9932G>T (p.Arg3311Ile)

Gene: APOB (apolipoprotein B; minus strand). Cytogenetic location: 2p24.1.
Variant type: single nucleotide variant.
Coding change: c.9932G>T on transcript NM_000384.3 (MANE Select); coding-DNA position 9932, G replaced by T.
Protein change: p.Arg3311Ile; replaces arginine 3311 with isoleucine.
Molecular consequence: missense variant.
Genome position (GRCh38, 1-based): chr2:21,006,936, C>A on the plus strand (G>T on the coding strand, the complement: APOB is on the minus strand). VCF-style: chr2-21006936-C-A. GRCh37 (hg19) VCF-style: chr2-21229808-C-A.
Other names: short protein forms R3311I.
Identifiers: ClinVar variation 3779908 (VCV003779908.2).
Genomic context (GRCh38, chr2:21,006,936, plus strand): 5'-ATAAAAATATGGCTTATGGTACACAATTCCTTGAAATCTGGAAGAGAAAGCTTGAGATTT[C>A]TAGGGACATGAAGGACTGGCAGCTCTAATGATGGCAGGATTAATGTGTATGAAGGCACAC-3'
Protein context (NP_000375.3, residues 3301-3321): SLELPVLHVP[Arg3311Ile]NLKLSLPDFK

ClinVar aggregate classification (germline): Uncertain significance. Review status: criteria provided, multiple submitters, no conflicts (2 of 4 stars). 2 submissions from 2 submitters: Uncertain significance (2). Last evaluated 2025-08-18.

Conditions:
Familial hypercholesterolemia. Also called: Familial hypercholesterolaemia; Familial hypercholesterolemias. Identifiers: MedGen C0020445, MONDO:0005439.
Hypercholesterolemia, autosomal dominant, type B (FHCL2). Also called: APOLIPOPROTEIN B-100, FAMILIAL DEFECTIVE; APOLIPOPROTEIN B-100, FAMILIAL LIGAND-DEFECTIVE; Familial Hypercholesterolemia Type B; Familial hypercholesterolemia 2; Hyperlipoproteinemia Type IIb; HYPERCHOLESTEROLEMIA, FAMILIAL, DUE TO LIGAND-DEFECTIVE APOLIPOPROTEIN B. Identifiers: MedGen C1704417, MONDO:0007751, OMIM 144010.

Submissions (2):

Genetics Laboratory, Great Ormond Street Hospital NHS Foundation Trust, North Thames Genomic Laboratory Hub
Classification: Uncertain significance for Familial hypercholesterolaemia. Last evaluated: 2025-08-18. Review status: criteria provided, single submitter. Criteria: ACGS Best Practice Guidelines for Variant Classification in Rare Disease 2024 v1.2. Collection method: clinical testing. Allele origin: germline. Affected: yes.
Comment: PM2_moderate, PM1_moderate

Department of Pathology and Laboratory Medicine, Sinai Health System
Classification: Uncertain significance for hypercholesterolemia, autosomal dominant, type B. Last evaluated: 2021-11-10. Review status: criteria provided, single submitter. Criteria: ACMG Guidelines, 2015. Collection method: research. Allele origin: germline.